The following is an entry in ClinVar:

ClinVar aggregate classification (germline): Uncertain significance (1 of 4 stars; one submission).

Conditions:
Primary ciliary dyskinesia. Also called: Ciliary dyskinesia. Identifiers: Orphanet 244, MedGen C0008780, MONDO:0016575, HP:0012265.

Allele frequency attached by ClinVar (database versions not stated): gnomAD exomes below 0.00001; TOPMed below 0.00001.
gnomAD v4.1: 3 of 1,613,322 alleles (0.00019%); highest among the groups gnomAD compares: South Asian, 0.0022%; no homozygotes.

Submission:

Labcorp Genetics (formerly Invitae), Labcorp
Classification: Uncertain significance for Primary ciliary dyskinesia. Last evaluated: 2021-08-17. Review status: criteria provided, single submitter. Criteria: Invitae Variant Classification Sherloc (09022015). Collection method: clinical testing. Allele origin: germline.
Comment: In summary, the available evidence is currently insufficient to determine the role of this variant in disease. Therefore, it has been classified as a Variant of Uncertain Significance. Advanced modeling of protein sequence and biophysical properties (such as structural, functional, and spatial information, amino acid conservation, physicochemical variation, residue mobility, and thermodynamic stability) performed at Invitae indicates that this missense variant is not expected to disrupt DNAH11 protein function. This variant has not been reported in the literature in individuals affected with DNAH11-related conditions. This variant is not present in population databases (ExAC no frequency). This sequence change replaces histidine with tyrosine at codon 1674 of the DNAH11 protein (p.His1674Tyr). The histidine residue is moderately conserved and there is a moderate physicochemical difference between histidine and tyrosine.

NM_001277115.2(DNAH11):c.5020C>T (p.His1674Tyr)

Gene: DNAH11 (dynein axonemal heavy chain 11; plus strand). Cytogenetic location: 7p15.3.
Variant type: single nucleotide variant.
Coding change: c.5020C>T on transcript NM_001277115.2 (MANE Select); coding-DNA position 5020, C replaced by T.
Protein change: p.His1674Tyr; replaces histidine 1674 with tyrosine.
Molecular consequence: missense variant.
Genome position (GRCh38, 1-based): chr7:21,655,907, C>T. VCF-style: chr7-21655907-C-T. GRCh37 (hg19) VCF-style: chr7-21695525-C-T.
Other names: short protein forms H1674Y.
Identifiers: ClinVar variation 1346845 (VCV001346845.6), dbSNP rs1452090160, ClinGen allele CA366938081.